The following is an entry in ClinVar:

ClinVar aggregate classification (germline): Likely pathogenic (1 of 4 stars; one submission).

Conditions:
Autosomal recessive nonsyndromic hearing loss 4 (DFNB4). Also called: Deafness, autosomal recessive 4; FOXI1-Related Pendred Syndrome; KCNJ10-Related Pendred Syndrome; DEAFNESS, AUTOSOMAL RECESSIVE 4, WITH ENLARGED VESTIBULAR AQUEDUCT, DIGENIC; NEUROSENSORY NONSYNDROMIC RECESSIVE DEAFNESS 4; Nonsyndromic enlarged vestibular aqueduct (NSEVA). Identifiers: Orphanet 90636, MedGen C3538946, MONDO:0010933, OMIM 600791.

gnomAD v4.1: 1 of 1,611,550 alleles (0.000062%); highest among the groups gnomAD compares: African/African-American, 0.0013%; no homozygotes.

Submission:

Institute of Rare Diseases, West China Hospital, Sichuan University
Classification: Likely pathogenic for Autosomal recessive nonsyndromic hearing loss 4. Last evaluated: 2025-01-09. Review status: criteria provided, single submitter. Criteria: ClinGen HL ACMG Specifications v1. Collection method: research. Allele origin: germline. Affected: yes.
Comment: PM3;PM5;PP4;PM2_Supporting;PP3

NM_000441.2(SLC26A4):c.1335G>C (p.Leu445Phe)

Gene: SLC26A4 (solute carrier family 26 member 4; plus strand). Cytogenetic location: 7q22.3.
Variant type: single nucleotide variant.
Coding change: c.1335G>C on transcript NM_000441.2 (MANE Select); coding-DNA position 1335, G replaced by C.
Protein change: p.Leu445Phe; replaces leucine 445 with phenylalanine.
Molecular consequence: missense variant.
Genome position (GRCh38, 1-based): chr7:107,694,474, G>C. VCF-style: chr7-107694474-G-C. GRCh37 (hg19) VCF-style: chr7-107334919-G-C.
Other names: short protein forms L445F.
Identifiers: ClinVar variation 3601737 (VCV003601737.1).